The following is an entry in ClinVar:

ClinVar aggregate classification (germline): Uncertain significance (1 of 4 stars; one submission).

Allele frequency attached by ClinVar (database versions not stated): gnomAD exomes below 0.00001; ExAC 0.00001.

Submission:

Labcorp Genetics (formerly Invitae), Labcorp
Classification: Uncertain significance. Last evaluated: 2021-09-09. Review status: criteria provided, single submitter. Criteria: Invitae Variant Classification Sherloc (09022015). Collection method: clinical testing. Allele origin: germline.
Comment: This sequence change replaces serine with asparagine at codon 319 of the IMPAD1 protein (p.Ser319Asn). The serine residue is weakly conserved and there is a small physicochemical difference between serine and asparagine. This variant is present in population databases (rs763761420, ExAC 0.009%). This variant has not been reported in the literature in individuals affected with IMPAD1-related conditions. Algorithms developed to predict the effect of missense changes on protein structure and function output the following: SIFT: "Tolerated"; PolyPhen-2: "Benign"; Align-GVGD: "Class C0". The asparagine amino acid residue is found in multiple mammalian species, which suggests that this missense change does not adversely affect protein function. In summary, the available evidence is currently insufficient to determine the role of this variant in disease. Therefore, it has been classified as a Variant of Uncertain Significance.

NM_017813.5(BPNT2):c.956G>A (p.Ser319Asn)

Gene: BPNT2 (3'(2'), 5'-bisphosphate nucleotidase 2; minus strand). Cytogenetic location: 8q12.1.
Variant type: single nucleotide variant.
Coding change: c.956G>A on transcript NM_017813.5 (MANE Select); coding-DNA position 956, G replaced by A.
Protein change: p.Ser319Asn; replaces serine 319 with asparagine.
Molecular consequence: missense variant.
Genome position (GRCh38, 1-based): chr8:56,963,917, C>T on the plus strand (G>A on the coding strand, the complement: BPNT2 is on the minus strand). VCF-style: chr8-56963917-C-T. GRCh37 (hg19) VCF-style: chr8-57876476-C-T.
Other names: short protein forms S319N.
Identifiers: ClinVar variation 1681087 (VCV001681087.3), dbSNP rs763761420, ClinGen allele CA4755767.